The following is an entry in ClinVar:

ClinVar aggregate classification (germline): Uncertain significance (1 of 4 stars; one submission).

Conditions:
Candidiasis, familial, 9 (CANDF9). Identifiers: Orphanet 1334, MedGen C4225324, MONDO:0014642, OMIM 616445.

Allele frequency attached by ClinVar (database versions not stated): gnomAD exomes below 0.00001; TOPMed below 0.00001; gnomAD 0.00001.
gnomAD v4.1: 3 of 1,613,994 alleles (0.00019%); highest among the groups gnomAD compares: Non-Finnish European, 0.00025%; no homozygotes.

Submission:

Labcorp Genetics (formerly Invitae), Labcorp
Classification: Uncertain significance for Candidiasis, familial, 9. Last evaluated: 2022-03-19. Review status: criteria provided, single submitter. Criteria: Invitae Variant Classification Sherloc (09022015). Collection method: clinical testing. Allele origin: germline.
Comment: This variant is not present in population databases (gnomAD no frequency). This variant has not been reported in the literature in individuals affected with IL17RC-related conditions. Algorithms developed to predict the effect of missense changes on protein structure and function are either unavailable or do not agree on the potential impact of this missense change (SIFT: "Deleterious"; PolyPhen-2: "Possibly Damaging"; Align-GVGD: "Class C0"). In summary, the available evidence is currently insufficient to determine the role of this variant in disease. Therefore, it has been classified as a Variant of Uncertain Significance. This sequence change replaces glycine, which is neutral and non-polar, with serine, which is neutral and polar, at codon 487 of the IL17RC protein (p.Gly487Ser).

NM_153460.4(IL17RC):c.1246G>A (p.Gly416Ser)

Gene: IL17RC (interleukin 17 receptor C; plus strand). Cytogenetic location: 3p25.3.
Variant type: single nucleotide variant.
Coding change: c.1246G>A on transcript NM_153460.4 (MANE Select); coding-DNA position 1246, G replaced by A.
Protein change: p.Gly416Ser; replaces glycine 416 with serine.
Molecular consequence: missense variant. On other transcripts: non-coding transcript variant (1).
Genome position (GRCh38, 1-based): chr3:9,930,117, G>A. VCF-style: chr3-9930117-G-A. GRCh37 (hg19) VCF-style: chr3-9971801-G-A.
Other names: c.1246G>A, p.Gly416Ser (NM_001203263.2); c.1195G>A, p.Gly399Ser (NM_001203264.2); c.1150G>A, p.Gly384Ser (NM_001203265.2, NM_001410711.1); c.1207G>A, p.Gly403Ser (NM_001367278.1); c.1126G>A, p.Gly376Ser (NM_001367279.1); c.1201G>A, p.Gly401Ser (NM_001367280.1, NM_032732.6); c.1459G>A, p.Gly487Ser (NM_153461.4); short protein forms G403S, G384S, G399S, G376S, G401S, G416S, G487S.
Identifiers: ClinVar variation 1930886 (VCV001930886.5), dbSNP rs1323818220, ClinGen allele CA351699363.